The following is an entry in ClinVar:

NM_004415.4(DSP):c.272C>T (p.Pro91Leu)

Gene: DSP (desmoplakin; plus strand). Cytogenetic location: 6p24.3.
Variant type: single nucleotide variant.
Coding change: c.272C>T on transcript NM_004415.4 (MANE Select); coding-DNA position 272, C replaced by T.
Protein change: p.Pro91Leu; replaces proline 91 with leucine.
Molecular consequence: missense variant.
Genome position (GRCh38, 1-based): chr6:7,555,819, C>T. VCF-style: chr6-7555819-C-T. GRCh37 (hg19) VCF-style: chr6-7556052-C-T.
Other names: c.272C>T (LRG_423t1); c.272C>T, p.Pro91Leu (NM_001008844.3, NM_001319034.2); short protein forms P91L.
Identifiers: ClinVar variation 632785 (VCV000632785.1), dbSNP rs1561679365, ClinGen allele CA362670890.
Genomic context (GRCh38, chr6:7,555,819, plus strand): 5'-TCCAGGAGCTGCTGCAGAACTGCTCCGACTGCTTGATGCGAGCAGAGCTCATCGTGCAGC[C>T]TGTAAGCTTTCCCTGTTCCCATCGCTTCTCCCAAAGCCTTGGCCACACCCGACTGTCCTC-3'
Protein context (NP_004406.2, residues 81-101): CLMRAELIVQ[Pro91Leu]ELKYGDGIQL

ClinVar aggregate classification (germline): Uncertain significance (1 of 4 stars; one submission).

Allele frequency attached by ClinVar (database versions not stated): gnomAD exomes below 0.00001.

Submission:

Women's Health and Genetics/Laboratory Corporation of America, LabCorp
Classification: Uncertain significance. Last evaluated: 2018-07-31. Review status: criteria provided, single submitter. Criteria: LabCorp Variant Classification Summary - May 2015. Collection method: clinical testing. Allele origin: germline.
Comment: Variant summary: DSP c.272C>T (p.Pro91Leu) results in a non-conservative amino acid change in the encoded protein sequence. Three of five in-silico tools predict a damaging effect of the variant on protein function. The variant was absent in 245350 control chromosomes (gnomAD). The available data on variant occurrences in the general population are insufficient to allow any conclusion about variant significance. To our knowledge, no occurrence of c.272C>T in individuals affected with Arrhythmia and no experimental evidence demonstrating its impact on protein function have been reported. No clinical diagnostic laboratories have submitted clinical-significance assessments for this variant to ClinVar after 2014. Based on the evidence outlined above, the variant was classified as uncertain significance.